The following is an entry in ClinVar:

NM_005560.6(LAMA5):c.123C>A (p.Gly41=)

Genes: LAMA5 (laminin subunit alpha 5; minus strand), LOC130066305 (ATAC-STARR-seq lymphoblastoid silent region 13109; plus strand). Cytogenetic location: 20q13.33.
Variant type: single nucleotide variant.
Coding change: c.123C>A on transcript NM_005560.6 (MANE Select); coding-DNA position 123, C replaced by A.
Protein change: p.Gly41=; no amino-acid change (glycine 41 retained).
Molecular consequence: synonymous variant.
Genome position (GRCh38, 1-based): chr20:62,367,123, G>T on the plus strand (C>A on the coding strand, the complement: LAMA5 is on the minus strand). VCF-style: chr20-62367123-G-T. GRCh37 (hg19) VCF-style: chr20-60942179-G-T.
Identifiers: ClinVar variation 3043425 (VCV003043425.2), dbSNP rs1437391905, ClinGen allele CA511328597.

ClinVar aggregate classification (germline): Likely benign (0 of 4 stars; one submission).

Conditions:
LAMA5-related disorder. Also called: LAMA5-Related Disorders; LAMA5-related condition.

gnomAD v4.1: 2 of 1,274,718 alleles (0.00016%); highest among the groups gnomAD compares: Non-Finnish European, 0.0002%; no homozygotes.

Submission:

PreventionGenetics, part of Exact Sciences
Classification: Likely benign for LAMA5-related condition. Last evaluated: 2022-12-19. Review status: no assertion criteria provided. Collection method: clinical testing. Allele origin: germline.
Comment: This variant is classified as likely benign based on ACMG/AMP sequence variant interpretation guidelines (Richards et al. 2015 PMID: 25741868, with internal and published modifications).